The following is an entry in ClinVar:

NM_001273.5(CHD4):c.1993G>T (p.Asp665Tyr)

Gene: CHD4 (chromodomain helicase DNA binding protein 4; minus strand). Cytogenetic location: 12p13.31.
Variant type: single nucleotide variant.
Coding change: c.1993G>T on transcript NM_001273.5 (MANE Select); coding-DNA position 1993, G replaced by T.
Protein change: p.Asp665Tyr; replaces aspartic acid 665 with tyrosine.
Molecular consequence: missense variant.
Genome position (GRCh38, 1-based): chr12:6,596,037, C>A on the plus strand (G>T on the coding strand, the complement: CHD4 is on the minus strand). VCF-style: chr12-6596037-C-A. GRCh37 (hg19) VCF-style: chr12-6705203-C-A.
Other names: c.1972G>T, p.Asp658Tyr (NM_001297553.2); c.1954G>T, p.Asp652Tyr (NM_001363606.2); short protein forms D652Y, D658Y, D665Y.
Identifiers: ClinVar variation 3359698 (VCV003359698.1).

ClinVar aggregate classification (germline): Uncertain significance (1 of 4 stars; one submission).

gnomAD v4.1: 1 of 1,613,732 alleles (0.000062%); highest among the groups gnomAD compares: East Asian, 0.0022%; no homozygotes.

Submission:

GeneDx
Classification: Uncertain significance. Last evaluated: 2023-06-20. Review status: criteria provided, single submitter. Criteria: GeneDx Variant Classification Process June 2021. Collection method: clinical testing. Allele origin: germline. Affected: yes.
Comment: Not observed at significant frequency in large population cohorts (gnomAD); In silico analysis supports that this missense variant has a deleterious effect on protein structure/function; Has not been previously published as pathogenic or benign to our knowledge